The following is an entry in ClinVar:

NM_000051.4(ATM):c.4777-10dup

Gene: ATM (ATM serine/threonine kinase; plus strand). Cytogenetic location: 11q22.3.
Variant type: Duplication.
Coding change: c.4777-10dup on transcript NM_000051.4 (MANE Select); 10 bases into the intron before coding-DNA position 4777, one base duplicated (T; older notation c.4777-10dupT).
Molecular consequence: intron variant.
Genome position (GRCh38, 1-based): chr11:108,294,917, T duplicated; the last of 4 consecutive T bases (chr11:108,294,914-108,294,917); duplicating any one gives the same sequence. VCF-style (leftmost placement, unchanged base first): chr11-108294913-A-AT. GRCh37 (hg19) VCF-style: chr11-108165640-A-AT.
Other names: c.4777-10dupT (NM_000051.3, NM_000051.4); c.4777-10dup (NM_001351834.2).
Identifiers: ClinVar variation 420404 (VCV000420404.14), dbSNP rs1398289633, ClinGen allele CA16619190.

ClinVar aggregate classification (germline): Likely benign. Review status: criteria provided, multiple submitters, no conflicts (2 of 4 stars). 5 submissions from 5 submitters: Likely benign (5). Last evaluated 2025-10-13.

Conditions:
Hereditary cancer-predisposing syndrome. Also called: Hereditary neoplastic syndrome; Hereditary Cancer Syndrome; Neoplastic Syndromes, Hereditary; Tumor predisposition. Identifiers: Orphanet 140162, MedGen C0027672, MeSH D009386, MONDO:0015356.
Familial cancer of breast. Also called: hereditary breast carcinoma; Hereditary breast cancer; BREAST CANCER, FAMILIAL. Identifiers: Orphanet 227535, MedGen C0346153, MONDO:0016419, OMIM 114480. Disease mechanism: loss of function.
Ataxia-telangiectasia syndrome (AT). Also called: Ataxia-telangiectasia, complementation group D; Cerebello-oculocutaneous telangiectasia; Immunodeficiency with ataxia telangiectasia; ATAXIA-TELANGIECTASIA, COMPLEMENTATION GROUP A; ATAXIA-TELANGIECTASIA, FRESNO VARIANT; LOUIS-BAR SYNDROME. Identifiers: Orphanet 100, MedGen C0004135, MONDO:0008840, OMIM 208900.

Submissions (5):

Labcorp Genetics (formerly Invitae), Labcorp
Classification: Likely benign for Ataxia-telangiectasia syndrome. Last evaluated: 2025-10-13. Review status: criteria provided, single submitter. Criteria: Invitae Variant Classification Sherloc (09022015). Collection method: clinical testing. Allele origin: germline.

Women's Health and Genetics/Laboratory Corporation of America, LabCorp
Classification: Likely benign. Last evaluated: 2024-12-18. Review status: criteria provided, single submitter. Criteria: LabCorp Variant Classification Summary - May 2015. Collection method: clinical testing. Allele origin: germline.
Comment: Variant summary: ATM c.4777-10dupT, also reported as IVS31-14 insT, alters a non-conserved nucleotide located at a position not widely known to affect splicing. Consensus agreement among computation tools predict no significant impact on normal splicing. However, these predictions have yet to be confirmed by functional studies. The variant was absent in 251160 control chromosomes. The available data on variant occurrences in the general population are insufficient to allow any conclusion about variant significance. c.4777-10dupT has been reported in the literature in individual(s) affected with breast cancer (Bernstein_2010), without strong evidence for causality. This report does not provide unequivocal conclusions about association of the variant with breast cancer or Ataxia-Telangiectasia. To our knowledge, no experimental evidence demonstrating an impact on protein function has been reported. The following publication has been ascertained in the context of this evaluation (PMID: 20305132). ClinVar contains an entry for this variant (Variation ID: 420404). Based on the evidence outlined above, the variant was classified as likely benign.

Myriad Genetics, Inc.
Classification: Likely benign for Familial cancer of breast. Last evaluated: 2024-05-21. Review status: criteria provided, single submitter. Criteria: Myriad Autosomal Dominant, Autosomal Recessive and X-Linked Classification Criteria (2023). Collection method: clinical testing. Allele origin: unknown.
Comment: This variant is considered likely benign. This variant is intronic and is not expected to impact mRNA splicing.

GeneDx
Classification: Likely benign. Last evaluated: 2021-04-24. Review status: criteria provided, single submitter. Criteria: GeneDx Variant Classification Process June 2021. Collection method: clinical testing. Allele origin: germline. Affected: yes.

Color Diagnostics, LLC DBA Color Health
Classification: Likely benign for Hereditary cancer-predisposing syndrome. Last evaluated: 2018-10-26. Review status: criteria provided, single submitter. Criteria: ACMG Guidelines, 2015. Collection method: clinical testing. Allele origin: germline.

Literature cited by the submitters: PubMed 20305132 (cited by Women's Health and Genetics/Laboratory Corporation of America, LabCorp).